The following is an entry in ClinVar:

ClinVar aggregate classification (germline): Pathogenic (1 of 4 stars; one submission).

Submission:

GeneDx
Classification: Pathogenic. Last evaluated: 2024-08-08. Review status: criteria provided, single submitter. Criteria: GeneDx Variant Classification Process June 2021. Collection method: clinical testing. Allele origin: germline. Affected: yes.
Comment: Has not been previously published as pathogenic or benign to our knowledge; Not observed at significant frequency in large population cohorts (gnomAD); Deletions involving coding exons of this gene are a known mechanism of disease (HGMD); Canonical splice site variant predicted to result in an in-frame loss of the adjacent exon in a gene for which loss of function is a known mechanism of disease

NM_000138.5(FBN1):c.4460-2A>T

Gene: FBN1 (fibrillin 1; minus strand). Cytogenetic location: 15q21.1.
Variant type: single nucleotide variant.
Coding change: c.4460-2A>T on transcript NM_000138.5 (MANE Select); the canonical splice acceptor site of the intron before coding-DNA position 4460, A replaced by T.
Molecular consequence: splice acceptor variant.
Genome position (GRCh38, 1-based): chr15:48,468,536, T>A on the plus strand (A>T on the coding strand, the complement: FBN1 is on the minus strand). VCF-style: chr15-48468536-T-A. GRCh37 (hg19) VCF-style: chr15-48760733-T-A.
Other names: c.4460-2A>T (NM_001406716.1).
Identifiers: ClinVar variation 3602951 (VCV003602951.1).